The following is an entry in ClinVar:

ClinVar aggregate classification (germline): Conflicting classifications of pathogenicity. Review status: criteria provided, conflicting classifications (1 of 4 stars). 7 submissions from 7 submitters: Uncertain significance (2); Benign (1); Likely benign (4). Last evaluated 2025-12-01.

Conditions:
Microcephaly 5, primary, autosomal recessive (MCPH5). Also called: ASPM Primary Microcephaly. Identifiers: Orphanet 2512, MedGen C1837501, MONDO:0012106, OMIM 608716.

Allele frequency attached by ClinVar (database versions not stated): ESP Exome Variant Server 0.00031; gnomAD 0.00048 and 0.00071; gnomAD exomes 0.00048; ExAC 0.00053; TOPMed 0.00070; 1000 Genomes Project 30x 0.00078; 1000 Genomes Project 0.00080.
gnomAD v4.1: 636 of 1,580,726 alleles (0.04%); highest among the groups gnomAD compares: Non-Finnish European, 0.041%; 4 homozygotes.

Submissions (7):

CeGaT Center for Human Genetics Tuebingen
Classification: Likely benign. Last evaluated: 2025-12-01. Review status: criteria provided, single submitter. Criteria: CeGaT Center For Human Genetics Tuebingen Variant Classification Criteria Version 2. Collection method: clinical testing. Allele origin: germline. Affected: yes. Observed: 1 variant allele.
Comment: ASPM: BP4

Labcorp Genetics (formerly Invitae), Labcorp
Classification: Benign. Last evaluated: 2025-10-21. Review status: criteria provided, single submitter. Criteria: Invitae Variant Classification Sherloc (09022015). Collection method: clinical testing. Allele origin: germline.

Blueprint Genetics
Classification: Likely benign. Last evaluated: 2024-09-19. Review status: criteria provided, single submitter. Criteria: ACMG Guidelines, 2015. Collection method: clinical testing. Allele origin: germline.

Illumina Laboratory Services, Illumina
Classification: Uncertain significance for Microcephaly 5, primary, autosomal recessive. Last evaluated: 2018-01-13. Review status: criteria provided, single submitter. Criteria: ICSL Variant Classification Criteria 13 December 2019. Collection method: clinical testing. Allele origin: germline.

GeneDx
Classification: Likely benign. Last evaluated: 2017-01-05. Review status: criteria provided, single submitter. Criteria: GeneDx Variant Classification (06012015). Collection method: clinical testing. Allele origin: germline. Affected: yes.
Comment: This variant is considered likely benign or benign based on one or more of the following criteria: it is a conservative change, it occurs at a poorly conserved position in the protein, it is predicted to be benign by multiple in silico algorithms, and/or has population frequency not consistent with disease.

Eurofins Ntd Llc (ga)
Classification: Uncertain significance. Last evaluated: 2016-06-09. Review status: criteria provided, single submitter. Criteria: EGL Classification Definitions 2015. Collection method: clinical testing. Allele origin: germline. Observed: 1 variant allele, 1 heterozygote.

Genetic Services Laboratory, University of Chicago
Classification: Likely benign. Last evaluated: 2015-09-18. Review status: criteria provided, single submitter. Criteria: ACMG Guidelines, 2015. Collection method: clinical testing. Allele origin: germline. Affected: no.

NM_018136.5(ASPM):c.3189A>G (p.Leu1063=)

Gene: ASPM (assembly factor for spindle microtubules; minus strand). Cytogenetic location: 1q31.3.
Variant type: single nucleotide variant.
Coding change: c.3189A>G on transcript NM_018136.5 (MANE Select); coding-DNA position 3189, A replaced by G.
Protein change: p.Leu1063=; no amino-acid change (leucine 1063 retained).
Molecular consequence: synonymous variant.
Genome position (GRCh38, 1-based): chr1:197,124,311, T>C on the plus strand (A>G on the coding strand, the complement: ASPM is on the minus strand). VCF-style: chr1-197124311-T-C. GRCh37 (hg19) VCF-style: chr1-197093441-T-C.
Other names: c.3189A>G, p.Leu1063= (NM_001206846.2).
Identifiers: ClinVar variation 288028 (VCV000288028.26), dbSNP rs146858888, ClinGen allele CA1310229.